The following is an entry in ClinVar:

ClinVar aggregate classification (germline): Pathogenic. Review status: reviewed by expert panel (3 of 4 stars). 2 submissions from 2 submitters: Pathogenic (1). 1 of the submissions does not count toward it. Last evaluated 2016-10-18.

Conditions:
Breast-ovarian cancer, familial, susceptibility to, 2 (BROVCA2). Also called: BRCA2 Hereditary Breast and Ovarian Cancer. Identifiers: Orphanet 145, MedGen C2675520, MONDO:0012933, OMIM 612555. Disease mechanism: loss of function.

Submissions (2):

Evidence-based Network for the Interpretation of Germline Mutant Alleles (ENIGMA)
Classification: Pathogenic for Breast-ovarian cancer, familial, susceptibility to, 2. Last evaluated: 2016-10-18. Review status: reviewed by expert panel. Criteria: ENIGMA BRCA1/2 Classification Criteria (2015). Collection method: curation. Allele origin: germline.
Comment: Variant allele predicted to encode a truncated non-functional protein.

Consortium of Investigators of Modifiers of BRCA1/2 (CIMBA), c/o University of Cambridge
Classification: Pathogenic for Breast-ovarian cancer, familial, susceptibility to, 2. Last evaluated: 2015-10-02. Review status: criteria provided, single submitter. Criteria: CIMBA Mutation Classification guidelines May 2016. Collection method: clinical testing. Allele origin: germline. Not counted in ClinVar's aggregate classification.

NM_000059.4(BRCA2):c.3248del (p.Asn1083fs)

Gene: BRCA2 (BRCA2 DNA repair associated; plus strand). Cytogenetic location: 13q13.1.
Variant type: Deletion.
Coding change: c.3248del on transcript NM_000059.4 (MANE Select); coding-DNA position 3248, one base deleted (A; older notation c.3248delA).
Protein change: p.Asn1083fs; shifts the reading frame from asparagine 1083.
Molecular consequence: frameshift variant.
Genome position (GRCh38, 1-based): chr13:32,337,603, A deleted; the last of 5 consecutive A bases (chr13:32,337,599-32,337,603); deleting any one gives the same sequence. VCF-style (leftmost placement, unchanged base first): chr13-32337598-TA-T. GRCh37 (hg19) VCF-style: chr13-32911735-TA-T.
Other names: 3476delA; short protein forms N1083fs.
Identifiers: ClinVar variation 266741 (VCV000266741.7), dbSNP rs886040466, ClinGen allele CA10589193.